The following is an entry in ClinVar:

ClinVar aggregate classification (germline): Uncertain significance (1 of 4 stars; one submission).

Allele frequency attached by ClinVar (database versions not stated): gnomAD exomes below 0.00001 and 0.00001; gnomAD 0.00001; TOPMed 0.00002.
gnomAD v4.1: 8 of 1,614,076 alleles (0.0005%); highest among the groups gnomAD compares: Middle Eastern, 0.016%; no homozygotes.

Submission:

Labcorp Genetics (formerly Invitae), Labcorp
Classification: Uncertain significance. Last evaluated: 2018-03-27. Review status: criteria provided, single submitter. Criteria: Invitae Variant Classification Sherloc (09022015). Collection method: clinical testing. Allele origin: germline.
Comment: In summary, the available evidence is currently insufficient to determine the role of this variant in disease. Therefore, it has been classified as a Variant of Uncertain Significance. Algorithms developed to predict the effect of missense changes on protein structure and function (SIFT, PolyPhen-2, Align-GVGD) all suggest that this variant is likely to be tolerated, but these predictions have not been confirmed by published functional studies and their clinical significance is uncertain. This variant has not been reported in the literature in individuals with SZT2-related disease. This variant is not present in population databases (ExAC no frequency). This sequence change replaces arginine with glutamine at codon 2435 of the SZT2 protein (p.Arg2435Gln). The arginine residue is highly conserved and there is a small physicochemical difference between arginine and glutamine.

NM_001365999.1(SZT2):c.7475G>A (p.Arg2492Gln)

Gene: SZT2 (SZT2 subunit of KICSTOR complex; plus strand). Cytogenetic location: 1p34.2.
Variant type: single nucleotide variant.
Coding change: c.7475G>A on transcript NM_001365999.1 (MANE Select); coding-DNA position 7475, G replaced by A.
Protein change: p.Arg2492Gln; replaces arginine 2492 with glutamine.
Molecular consequence: missense variant.
Genome position (GRCh38, 1-based): chr1:43,441,344, G>A. VCF-style: chr1-43441344-G-A. GRCh37 (hg19) VCF-style: chr1-43907015-G-A.
Other names: c.7304G>A, p.Arg2435Gln (NM_015284.4); short protein forms R2435Q, R2492Q.
Identifiers: ClinVar variation 1058886 (VCV001058886.9), dbSNP rs917647976, ClinGen allele CA21646248.
Genomic context (GRCh38, chr1:43,441,344, plus strand): 5'-ACACTCGGGGCCGGAGGCGTCACAAAACCGAGAGTGTTCGGACTCCTGGTGGAGCTGAGC[G>A]GGCGCCAGGCTCAGATTCTGGAGCCCAGAGACAAAAGTATGTGTGTGGTGGTGGTGTGCC-3'
Protein context (NP_001352928.1, residues 2482-2502): ESVRTPGGAE[Arg2492Gln]APGSDSGAQR